The following is an entry in ClinVar:

ClinVar aggregate classification (germline): Uncertain significance. Review status: criteria provided, multiple submitters, no conflicts (2 of 4 stars). 3 submissions from 3 submitters: Uncertain significance (3). Last evaluated 2023-04-06.

Conditions:
Intellectual developmental disorder, X-linked 1. Also called: Atkin Flaitz Patil Smith syndrome; MENTAL RETARDATION, X-LINKED 18; MENTAL RETARDATION, X-LINKED 78; Intellectual disability, X-linked 1. Identifiers: Orphanet 777, MedGen C2931498, MONDO:0010656, OMIM 309530.

Allele frequency attached by ClinVar (database versions not stated): gnomAD 0.00002; TOPMed 0.00002; gnomAD exomes 0.00001; ExAC below 0.00001.
gnomAD v4.1: 9 of 1,129,008 alleles (0.0008%); highest among the groups gnomAD compares: East Asian, 0.0033%; no homozygotes.

Submissions (3):

Labcorp Genetics (formerly Invitae), Labcorp
Classification: Uncertain significance for Intellectual developmental disorder, X-linked 1. Last evaluated: 2023-04-06. Review status: criteria provided, single submitter. Criteria: Invitae Variant Classification Sherloc (09022015). Collection method: clinical testing. Allele origin: germline.
Comment: ClinVar contains an entry for this variant (Variation ID: 937025). This variant has not been reported in the literature in individuals affected with IQSEC2-related conditions. This variant is not present in population databases (gnomAD no frequency). This sequence change replaces arginine, which is basic and polar, with histidine, which is basic and polar, at codon 1358 of the IQSEC2 protein (p.Arg1358His). In summary, the available evidence is currently insufficient to determine the role of this variant in disease. Therefore, it has been classified as a Variant of Uncertain Significance. Advanced modeling of protein sequence and biophysical properties (such as structural, functional, and spatial information, amino acid conservation, physicochemical variation, residue mobility, and thermodynamic stability) performed at Invitae indicates that this missense variant is not expected to disrupt IQSEC2 protein function.

Revvity Omics, Revvity
Classification: Uncertain significance for Intellectual developmental disorder, X-linked 1. Last evaluated: 2019-12-10. Review status: criteria provided, single submitter. Criteria: ACMG Guidelines, 2015. Collection method: clinical testing. Allele origin: germline.

UNC Molecular Genetics  Laboratory, University of North Carolina at Chapel Hill
Classification: Uncertain significance for Mental retardation, X-linked 1. Review status: criteria provided, single submitter. Criteria: ACMG Guidelines, 2015. Collection method: research. Allele origin: germline. Observed: 1 variant allele. Study: CSER_NCGENES_2.
Comment: The IQSEC2 c.4073G>A [p.R1358H] is a missense variant that changes a single amino acid from an arginine to a histidine. This variant has not been reported previously and is of uncertain clinical significance.

NM_001111125.3(IQSEC2):c.4073G>A (p.Arg1358His)

Gene: IQSEC2 (IQ motif and Sec7 domain ArfGEF 2; minus strand). Cytogenetic location: Xp11.22.
Variant type: single nucleotide variant.
Coding change: c.4073G>A on transcript NM_001111125.3 (MANE Select); coding-DNA position 4073, G replaced by A.
Protein change: p.Arg1358His; replaces arginine 1358 with histidine.
Molecular consequence: missense variant. On other transcripts: 3 prime UTR variant (1).
Genome position (GRCh38, 1-based): chrX:53,234,613, C>T on the plus strand (G>A on the coding strand, the complement: IQSEC2 is on the minus strand). VCF-style: chrX-53234613-C-T. GRCh37 (hg19) VCF-style: chrX-53263795-C-T.
Other names: c.*558G>A (NM_015075.2); short protein forms R1358H.
Identifiers: ClinVar variation 937025 (VCV000937025.11), dbSNP rs782285127, ClinGen allele CA10419769.
Genomic context (GRCh38, chrX:53,234,613, plus strand): 5'-GGGTGCTGGGGGGCAGGACTGTACAGGGGCAGTGGGGATGTGGGCTGGTGCAGGGGGTGG[C>T]GGCCATGTGGAGCAAACTGAGGGTGTCCTCCAGCCCCCCGTCTGGGTGCCCTGCCTGGCC-3'
Protein context (NP_001104595.1, residues 1348-1368): GGHPQFAPHG[Arg1358His]HPLHQPTSPL